The following is an entry in ClinVar:

NM_000092.5(COL4A4):c.3724G>C (p.Gly1242Arg)

Gene: COL4A4 (collagen type IV alpha 4 chain; minus strand). Cytogenetic location: 2q36.3.
Variant type: single nucleotide variant.
Coding change: c.3724G>C on transcript NM_000092.5 (MANE Select); coding-DNA position 3724, G replaced by C.
Protein change: p.Gly1242Arg; replaces glycine 1242 with arginine.
Molecular consequence: missense variant.
Genome position (GRCh38, 1-based): chr2:227,032,038, C>G on the plus strand (G>C on the coding strand, the complement: COL4A4 is on the minus strand). VCF-style: chr2-227032038-C-G. GRCh37 (hg19) VCF-style: chr2-227896754-C-G.
Other names: p.(Gly1242Arg); short protein forms G1242R.
Identifiers: ClinVar variation 4884701 (VCV004884701.1).
Genomic context (GRCh38, chr2:227,032,038, plus strand): 5'-CTCCAGGTGGACCCGGGTCAGGAATGTCCTTAGGAGCTCTTCCTGTGGCACCTGCAGGAC[C>G]AGGTGGTCCTGAACTCCCTAAGAAGAGACATGTTCACATGTTATCCTCATTGCATTTGGA-3'
Protein context (NP_000083.3, residues 1232-1252): PGPPGSSGPP[Gly1242Arg]PAGATGRAPK

ClinVar aggregate classification (germline): Likely pathogenic (1 of 4 stars; one submission).

Conditions:
Autosomal dominant Alport syndrome (ATS3A). Also called: Alport syndrome dominant type; Renal failure and sensorineural hearing loss; ALPORT SYNDROME 3A, AUTOSOMAL DOMINANT. Identifiers: Orphanet 63, Orphanet 88918, MedGen C5882663, MONDO:0007086, OMIM 104200.

Submission:

Centre de Génétique Humaine, Institut de Pathologie Et de Génétique
Classification: Likely pathogenic for Autosomal dominant Alport syndrome. Last evaluated: 2026-05-13. Review status: criteria provided, single submitter. Criteria: ACMG Guidelines, 2015. Collection method: clinical testing. Allele origin: germline. Inheritance: Autosomal dominant inheritance. Affected: yes. Observed: 2 variant alleles, 2 heterozygotes. Clinical features observed: Microscopic hematuria (HP:0002907), Severe albuminuria (HP:0033066), Hypertensive disorder (HP:0000822), Multiple renal cysts (HP:0005562), Stage 5 chronic kidney disease (HP:0003774), Sensorineural hearing loss disorder (HP:0000407), Stage 2 chronic kidney disease (HP:0012624). Segregation with disease observed.
Comment: This missense variant involves a highly conserved glycine located in a ‘Gly-X-Y’ motif in collagenous region, which is characteristic of the pathogenic variants identified in the COL4A4 gene (PM1,PP2). This variant is rare: absent in gnomAD v4.1.0 database (PM2). Another missense variant affecting the same residue described as LP: c.3724G>A, p.Gly1242Ser, PMID: 33772369 (PM5). In silico analysis supports that this missensevariant has a deleterious effect (PP3).